The following is an entry in ClinVar:

ClinVar aggregate classification (germline): Likely benign (1 of 4 stars; one submission).

Conditions:
NCOA1-related disorder. Also called: NCOA1-related condition.

Allele frequency attached by ClinVar (database versions not stated): gnomAD exomes 0.00003; ExAC 0.00004; TOPMed 0.00011; gnomAD 0.00014.
gnomAD v4.1: 63 of 1,614,070 alleles (0.0039%); highest among the groups gnomAD compares: African/African-American, 0.071%; 1 homozygote.

Submission:

PreventionGenetics, part of Exact Sciences
Classification: Likely benign for NCOA1-related condition. Last evaluated: 2026-01-22. Review status: criteria provided, single submitter. Criteria: ACMG Guidelines, 2015. Collection method: clinical testing. Allele origin: germline.
Comment: This variant is classified as likely benign based on ACMG/AMP sequence variant interpretation guidelines (Richards et al. 2015 PMID: 25741868, with internal and published modifications).

NM_003743.5(NCOA1):c.2485G>A (p.Gly829Ser)

Gene: NCOA1 (nuclear receptor coactivator 1; plus strand). Cytogenetic location: 2p23.3.
Variant type: single nucleotide variant.
Coding change: c.2485G>A on transcript NM_003743.5 (MANE Select); coding-DNA position 2485, G replaced by A.
Protein change: p.Gly829Ser; replaces glycine 829 with serine.
Molecular consequence: missense variant.
Genome position (GRCh38, 1-based): chr2:24,710,997, G>A. VCF-style: chr2-24710997-G-A. GRCh37 (hg19) VCF-style: chr2-24933866-G-A.
Other names: c.2485G>A, p.Gly829Ser (NM_001362955.1, NM_147223.3, NM_147233.2 and 3 more transcripts); short protein forms G829S.
Identifiers: ClinVar variation 3042462 (VCV003042462.3), dbSNP rs754888017, ClinGen allele CA1552414.
Genomic context (GRCh38, chr2:24,710,997, plus strand): 5'-GCTGACCTTGACCAGTTTGATCAGTTACTGCCCACGCTGGAGAAGGCAGCACAGTTGCCA[G>A]GCTTATGTGAGACAGACAGGATGGATGGTGCGGTCACCAGTGTAACCATCAAATCGGAGA-3'
Protein context (NP_003734.3, residues 819-839): PTLEKAAQLP[Gly829Ser]LCETDRMDGA